The following is an entry in ClinVar:

ClinVar aggregate classification (germline): Uncertain significance (1 of 4 stars; one submission).

Submission:

Women's Health and Genetics/Laboratory Corporation of America, LabCorp
Classification: Uncertain significance. Last evaluated: 2025-12-30. Review status: criteria provided, single submitter. Criteria: LabCorp Variant Classification Summary - May 2015. Collection method: clinical testing. Allele origin: germline.
Comment: Variant summary: SHANK3 c.1456C>G (p.Arg486Gly) results in a non-conservative amino acid change in the encoded protein sequence. Algorithms developed to predict the effect of missense changes on protein structure and function are either unavailable or do not agree on the potential impact of this missense change. The variant allele was found at a frequency of 9.5e-06 in 210636 control chromosomes. The available data on variant occurrences in the general population are insufficient to allow any conclusion about variant significance. To our knowledge, no occurrence of c.1456C>G in individuals affected with SHANK3-related conditions and no experimental evidence demonstrating its impact on protein function have been reported. No submitters have cited clinical-significance assessments for this variant to ClinVar. Based on the evidence outlined above, the variant was classified as uncertain significance.

NM_001372044.2(SHANK3):c.1456C>G (p.Arg486Gly)

Gene: SHANK3 (SH3 and multiple ankyrin repeat domains 3; plus strand). Cytogenetic location: 22q13.33.
Variant type: single nucleotide variant.
Coding change: c.1456C>G on transcript NM_001372044.2 (MANE Select); coding-DNA position 1456, C replaced by G.
Protein change: p.Arg486Gly; replaces arginine 486 with glycine.
Molecular consequence: missense variant.
Genome position (GRCh38, 1-based): chr22:50,694,975, C>G. VCF-style: chr22-50694975-C-G. GRCh37 (hg19) VCF-style: chr22-51133403-C-G.
Other names: short protein forms R486G.
Identifiers: ClinVar variation 4688268 (VCV004688268.1).